The following is an entry in ClinVar:

NM_001388492.1(HTT):c.2087G>A (p.Gly696Glu)

Gene: HTT (huntingtin; plus strand). Cytogenetic location: 4p16.3.
Variant type: single nucleotide variant.
Coding change: c.2087G>A on transcript NM_001388492.1 (MANE Select); coding-DNA position 2087, G replaced by A.
Protein change: p.Gly696Glu; replaces glycine 696 with glutamic acid.
Molecular consequence: missense variant.
Genome position (GRCh38, 1-based): chr4:3,131,386, G>A. VCF-style: chr4-3131386-G-A. GRCh37 (hg19) VCF-style: chr4-3133113-G-A.
Other names: c.2093G>A, p.Gly698Glu (NM_002111.8); short protein forms G696E, G698E.
Identifiers: ClinVar variation 1568606 (VCV001568606.23), dbSNP rs34389685, ClinGen allele CA2823728.

ClinVar aggregate classification (germline): Likely benign. Review status: criteria provided, multiple submitters, no conflicts (2 of 4 stars). 4 submissions from 4 submitters: Likely benign (4). Last evaluated 2026-02-02.

Allele frequency attached by ClinVar (database versions not stated): ExAC 0.00168; gnomAD exomes 0.00188; 1000 Genomes Project 0.00200; 1000 Genomes Project 30x 0.00234; ESP Exome Variant Server 0.00245; gnomAD 0.00256 and 0.00279; TOPMed 0.00329.
gnomAD v4.1: 5,982 of 1,612,756 alleles (0.37%); highest among the groups gnomAD compares: Non-Finnish European, 0.46%; 15 homozygotes.

Submissions (4):

Labcorp Genetics (formerly Invitae), Labcorp
Classification: Likely benign. Last evaluated: 2026-02-02. Review status: criteria provided, single submitter. Criteria: Invitae Variant Classification Sherloc (09022015). Collection method: clinical testing. Allele origin: germline.

CeGaT Center for Human Genetics Tuebingen
Classification: Likely benign. Last evaluated: 2025-01-01. Review status: criteria provided, single submitter. Criteria: CeGaT Center For Human Genetics Tuebingen Variant Classification Criteria Version 2. Collection method: clinical testing. Allele origin: germline. Affected: yes. Observed: 1 variant allele.
Comment: HTT: BS2

Blueprint Genetics
Classification: Likely benign. Last evaluated: 2024-11-21. Review status: criteria provided, single submitter. Criteria: ACMG Guidelines, 2015. Collection method: clinical testing. Allele origin: germline.

Breakthrough Genomics
Classification: Likely benign. Review status: criteria provided, single submitter. Criteria: ACMG Guidelines, 2015. Collection method: not provided. Allele origin: germline. Inheritance: Autosomal recessive inheritance. Affected: yes.